The following is an entry in ClinVar:

ClinVar aggregate classification (germline): Uncertain significance. Review status: criteria provided, multiple submitters, no conflicts (2 of 4 stars). 5 submissions from 5 submitters: Uncertain significance (5). Last evaluated 2025-07-28.

Conditions:
Hereditary cancer-predisposing syndrome. Also called: Neoplastic Syndromes, Hereditary; Hereditary Cancer Syndrome; Hereditary neoplastic syndrome; Tumor predisposition. Identifiers: Orphanet 140162, MedGen C0027672, MeSH D009386, MONDO:0015356.
Polyposis syndrome, hereditary mixed, 2. Identifiers: Orphanet 157794, MedGen C1864730, MONDO:0012405, OMIM 610069.
Juvenile polyposis syndrome (JPS). Identifiers: Orphanet 2929, MedGen C0345893, MONDO:0017380, OMIM 174900.

Allele frequency attached by ClinVar (database versions not stated): TOPMed below 0.00001.

Submissions (5):

Color Diagnostics, LLC DBA Color Health
Classification: Uncertain significance for Hereditary cancer-predisposing syndrome. Last evaluated: 2025-07-28. Review status: criteria provided, single submitter. Criteria: ACMG Guidelines, 2015. Collection method: clinical testing. Allele origin: germline.
Comment: This missense variant replaces asparagine with serine at codon 373 of the BMPR1A protein. Computational prediction suggests that this variant may have deleterious impact on protein structure and function. To our knowledge, functional studies have not been reported for this variant. This variant has not been reported in individuals affected with BMPR1A-related disorders in the literature. This variant has not been identified in the general population by the Genome Aggregation Database (gnomAD). The available evidence is insufficient to determine the role of this variant in disease conclusively. Therefore, this variant is classified as a Variant of Uncertain Significance.

Labcorp Genetics (formerly Invitae), Labcorp
Classification: Uncertain significance for Juvenile polyposis syndrome. Last evaluated: 2025-01-21. Review status: criteria provided, single submitter. Criteria: Invitae Variant Classification Sherloc (09022015). Collection method: clinical testing. Allele origin: germline.
Comment: This sequence change replaces asparagine, which is neutral and polar, with serine, which is neutral and polar, at codon 373 of the BMPR1A protein (p.Asn373Ser). This variant is not present in population databases (gnomAD no frequency). This variant has not been reported in the literature in individuals affected with BMPR1A-related conditions. ClinVar contains an entry for this variant (Variation ID: 640806). Invitae Evidence Modeling of protein sequence and biophysical properties (such as structural, functional, and spatial information, amino acid conservation, physicochemical variation, residue mobility, and thermodynamic stability) has been performed for this missense variant. However, the output from this modeling did not meet the statistical confidence thresholds required to predict the impact of this variant on BMPR1A protein function. In summary, the available evidence is currently insufficient to determine the role of this variant in disease. Therefore, it has been classified as a Variant of Uncertain Significance.

Ambry Genetics
Classification: Uncertain significance for Hereditary cancer-predisposing syndrome. Last evaluated: 2024-11-26. Review status: criteria provided, single submitter. Criteria: Ambry Variant Classification Scheme 2023. Collection method: clinical testing. Allele origin: germline.
Comment: The p.N373S variant (also known as c.1118A>G), located in coding exon 8 of the BMPR1A gene, results from an A to G substitution at nucleotide position 1118. The asparagine at codon 373 is replaced by serine, an amino acid with highly similar properties. This amino acid position is highly conserved in available vertebrate species. In addition, the in silico prediction for this alteration is inconclusive. Based on the available evidence, the clinical significance of this variant remains unclear.

Baylor Genetics
Classification: Uncertain significance for Polyposis syndrome, hereditary mixed, 2. Last evaluated: 2024-02-01. Review status: criteria provided, single submitter. Criteria: ACMG Guidelines, 2015. Collection method: clinical testing. Allele origin: unknown.

All of Us Research Program, National Institutes of Health
Classification: Uncertain significance for Juvenile polyposis syndrome. Last evaluated: 2023-03-09. Review status: criteria provided, single submitter. Criteria: ACMG Guidelines, 2015. Collection method: clinical testing. Allele origin: germline. Inheritance: Autosomal dominant inheritance. Observed: 1 variant allele, 1 heterozygote.
Comment: This missense variant replaces asparagine with serine at codon 373 of the BMPR1A protein. Computational prediction suggests that this variant may have deleterious impact on protein structure and function (internally defined REVEL score threshold >= 0.7, PMID: 27666373). To our knowledge, functional studies have not been reported for this variant. This variant has not been reported in individuals affected with BMPR1A-related disorders in the literature. This variant has not been identified in the general population by the Genome Aggregation Database (gnomAD). The available evidence is insufficient to determine the role of this variant in disease conclusively. Therefore, this variant is classified as a Variant of Uncertain Significance.

This study involves interpretation of variants in research participants for the purpose of population health screening. Participant phenotype was not available at the time of variant classification. Additional details can be found in publication PMID: 35346344, PMCID: PMC8962531

NM_004329.3(BMPR1A):c.1118A>G (p.Asn373Ser)

Gene: BMPR1A (bone morphogenetic protein receptor type 1A; plus strand). Cytogenetic location: 10q23.2.
Variant type: single nucleotide variant.
Coding change: c.1118A>G on transcript NM_004329.3 (MANE Select); coding-DNA position 1118, A replaced by G.
Protein change: p.Asn373Ser; replaces asparagine 373 with serine.
Molecular consequence: missense variant.
Genome position (GRCh38, 1-based): chr10:86,919,421, A>G. VCF-style: chr10-86919421-A-G. GRCh37 (hg19) VCF-style: chr10-88679178-A-G.
Other names: short protein forms N373S.
Identifiers: ClinVar variation 640806 (VCV000640806.15), dbSNP rs1281108621, ClinGen allele CA377460950.